The following is an entry in ClinVar:

NM_152393.4(KLHL40):c.284C>A (p.Ala95Glu)

Gene: KLHL40 (kelch like family member 40; plus strand). Cytogenetic location: 3p22.1.
Variant type: single nucleotide variant.
Coding change: c.284C>A on transcript NM_152393.4 (MANE Select); coding-DNA position 284, C replaced by A.
Protein change: p.Ala95Glu; replaces alanine 95 with glutamic acid.
Molecular consequence: missense variant.
Genome position (GRCh38, 1-based): chr3:42,685,902, C>A. VCF-style: chr3-42685902-C-A. GRCh37 (hg19) VCF-style: chr3-42727394-C-A.
Other names: short protein forms A95E.
Identifiers: ClinVar variation 1309520 (VCV001309520.2), dbSNP rs1697262926, ClinGen allele CA352289055.

ClinVar aggregate classification (germline): Uncertain significance (1 of 4 stars; one submission).

Submission:

GeneDx
Classification: Uncertain significance. Last evaluated: 2019-11-18. Review status: criteria provided, single submitter. Criteria: GeneDx Variant Classification Process June 2021. Collection method: clinical testing. Allele origin: germline. Affected: yes.
Comment: Not observed in large population cohorts (Lek et al., 2016); In silico analysis, which includes protein predictors and evolutionary conservation, supports that this variant does not alter protein structure/function; Has not been previously published as pathogenic or benign to our knowledge